The following is an entry in ClinVar:

ClinVar aggregate classification (germline): Pathogenic/Likely pathogenic. Review status: criteria provided, multiple submitters, no conflicts (2 of 4 stars). 6 submissions from 6 submitters: Pathogenic (2); Likely pathogenic (3). 1 of the submissions does not count toward it. Last evaluated 2025-12-03.

Conditions:
Fanconi anemia (FA). Also called: Fanconi's anemia. Identifiers: Orphanet 84, MedGen C0015625, MeSH D005199, MONDO:0019391.
Fanconi anemia complementation group D2. Also called: FANCONI PANCYTOPENIA, TYPE 4; FANCONI ANEMIA, COMPLEMENTATION GROUP D; FANCD2-Related Fanconi Anemia. Identifiers: Orphanet 84, MedGen C3160738, MONDO:0009214, OMIM 227646.

Allele frequency attached by ClinVar (database versions not stated): gnomAD 0.00001; gnomAD exomes 0.00001; TOPMed 0.00001.
gnomAD v4.1: 11 of 1,609,686 alleles (0.00068%); highest among the groups gnomAD compares: Non-Finnish European, 0.00026%; no homozygotes.

Submissions (6):

Labcorp Genetics (formerly Invitae), Labcorp
Classification: Likely pathogenic for Fanconi anemia. Last evaluated: 2025-12-03. Review status: criteria provided, single submitter. Criteria: Invitae Variant Classification Sherloc (09022015). Collection method: clinical testing. Allele origin: germline.
Comment: This sequence change affects a donor splice site in intron 7 of the FANCD2 gene. It is expected to disrupt RNA splicing. Variants that disrupt the donor or acceptor splice site typically lead to a loss of protein function (PMID: 16199547), and loss-of-function variants in FANCD2 are known to be pathogenic (PMID: 17436244). This variant is present in population databases (no rsID available, gnomAD 0.03%). Disruption of this splice site has been observed in individual(s) with Fanconi anemia (PMID: 23613520). ClinVar contains an entry for this variant (Variation ID: 577155). Algorithms developed to predict the effect of sequence changes on RNA splicing suggest that this variant may disrupt the consensus splice site. In summary, the currently available evidence indicates that the variant is pathogenic, but additional data are needed to prove that conclusively. Therefore, this variant has been classified as Likely Pathogenic.

Fulgent Genetics
Classification: Pathogenic for Fanconi anemia complementation group D2. Last evaluated: 2024-04-30. Review status: criteria provided, single submitter. Criteria: ACMG Guidelines, 2015. Collection method: clinical testing. Allele origin: germline.

Baylor Genetics
Classification: Likely pathogenic for Fanconi anemia complementation group D2. Last evaluated: 2024-03-06. Review status: criteria provided, single submitter. Criteria: ACMG Guidelines, 2015. Collection method: clinical testing. Allele origin: unknown.

GeneDx
Classification: Likely pathogenic. Last evaluated: 2022-10-20. Review status: criteria provided, single submitter. Criteria: GeneDx Variant Classification Process June 2021. Collection method: clinical testing. Allele origin: germline. Affected: yes.
Comment: Canonical splice site variant predicted to result in a null allele in a gene for which loss of function is a known mechanism of disease; This variant is associated with the following publications: (PMID: 23613520)

Revvity Omics, Revvity
Classification: Pathogenic for Fanconi anemia complementation group D2. Last evaluated: 2019-03-26. Review status: criteria provided, single submitter. Criteria: ACMG Guidelines, 2015. Collection method: clinical testing. Allele origin: germline.

Leiden Open Variation Database
Classification: Uncertain significance for Fanconi anemia complementation group D2. Last evaluated: 2020-02-28. Review status: no assertion criteria provided. Collection method: curation. Allele origin: germline. Affected: yes. Not counted in ClinVar's aggregate classification.
Comment: Curator: Arleen D. Auerbach. Submitter to LOVD: Arleen D. Auerbach.

Literature cited by the submitters: PubMed 16199547 (cited by Labcorp Genetics (formerly Invitae), Labcorp); PubMed 17436244 (cited by Labcorp Genetics (formerly Invitae), Labcorp); PubMed 23613520 (cited by Labcorp Genetics (formerly Invitae), Labcorp and Leiden Open Variation Database).

NM_001018115.3(FANCD2):c.491+1G>A

Genes: FANCD2 (FA complementation group D2; plus strand), LOC107303338 (3p25 FANCD2 Alu-mediated recombination region; plus strand). Cytogenetic location: 3p25.3.
Variant type: single nucleotide variant.
Coding change: c.491+1G>A on transcript NM_001018115.3 (MANE Select); the canonical splice donor site of the intron after coding-DNA position 491, G replaced by A.
Molecular consequence: splice donor variant.
Genome position (GRCh38, 1-based): chr3:10,036,340, G>A. VCF-style: chr3-10036340-G-A. GRCh37 (hg19) VCF-style: chr3-10078024-G-A.
Other names: c.491+1G>A (NM_001319984.2, NM_001374253.1, NM_033084.6 and 3 more transcripts).
Identifiers: ClinVar variation 577155 (VCV000577155.19), dbSNP rs943009372, ClinGen allele CA70022768.